The following is an entry in ClinVar:

NM_020338.4(ZMIZ1):c.479C>A (p.Pro160His)

Gene: ZMIZ1 (zinc finger MIZ-type containing 1; plus strand). Cytogenetic location: 10q22.3.
Variant type: single nucleotide variant.
Coding change: c.479C>A on transcript NM_020338.4 (MANE Select); coding-DNA position 479, C replaced by A.
Protein change: p.Pro160His; replaces proline 160 with histidine.
Molecular consequence: missense variant.
Genome position (GRCh38, 1-based): chr10:79,289,828, C>A. VCF-style: chr10-79289828-C-A. GRCh37 (hg19) VCF-style: chr10-81049585-C-A.
Other names: short protein forms P160H.
Identifiers: ClinVar variation 3772605 (VCV003772605.13).

ClinVar aggregate classification (germline): Uncertain significance (1 of 4 stars; one submission).

gnomAD v4.1: 1 of 1,614,110 alleles (0.000062%); highest among the groups gnomAD compares: Non-Finnish European, 0.000085%; no homozygotes.

Submission:

CeGaT Center for Human Genetics Tuebingen
Classification: Uncertain significance. Last evaluated: 2025-02-01. Review status: criteria provided, single submitter. Criteria: CeGaT Center For Human Genetics Tuebingen Variant Classification Criteria Version 2. Collection method: clinical testing. Allele origin: germline. Affected: yes. Observed: 1 variant allele.
Comment: ZMIZ1: PM2, PP3